The following is an entry in ClinVar:

NM_201548.5(CERKL):c.677+547del

Gene: CERKL (CERK like autophagy regulator; minus strand). Cytogenetic location: 2q31.3.
Variant type: Deletion.
Coding change: c.677+547del on transcript NM_201548.5 (MANE Select); 547 bases into the intron after coding-DNA position 677, one base deleted (G; older notation c.677+547delG).
Molecular consequence: intron variant. On other transcripts: splice acceptor variant (2).
Genome position (GRCh38, 1-based): chr2:181,565,511, C deleted on the plus strand (G on the coding strand, the reverse complement: CERKL is on the minus strand). VCF-style (leftmost placement, unchanged base first): chr2-181565510-AC-A. GRCh37 (hg19) VCF-style: chr2-182430237-AC-A.
Other names: c.482-15803del (NM_001030312.3); c.546-1del (NM_001160277.2); c.613+8242del (NM_001030313.3); c.678-1del (NM_001030311.3).
Identifiers: ClinVar variation 1495507 (VCV001495507.8), dbSNP rs2105832274, ClinGen allele CA2573134251.

ClinVar aggregate classification (germline): Likely pathogenic (1 of 4 stars; one submission).

Submission:

Labcorp Genetics (formerly Invitae), Labcorp
Classification: Likely pathogenic. Last evaluated: 2025-04-16. Review status: criteria provided, single submitter. Criteria: Invitae Variant Classification Sherloc (09022015). Collection method: clinical testing. Allele origin: germline.
Comment: This sequence change affects a splice site in intron 4 of the CERKL gene. It is expected to disrupt RNA splicing. Variants that disrupt the donor or acceptor splice site typically lead to a loss of protein function (PMID: 16199547), and loss-of-function variants in CERKL are known to be pathogenic (PMID: 14681825, 23591405, 24043777). This variant is not present in population databases (gnomAD no frequency). This variant has not been reported in the literature in individuals affected with CERKL-related conditions. ClinVar contains an entry for this variant (Variation ID: 1495507). Algorithms developed to predict the effect of sequence changes on RNA splicing suggest that this variant may disrupt the consensus splice site. In summary, the currently available evidence indicates that the variant is pathogenic, but additional data are needed to prove that conclusively. Therefore, this variant has been classified as Likely Pathogenic.

Literature cited by the submitters: PubMed 16199547; PubMed 14681825; PubMed 23591405; PubMed 24043777.